The following is an entry in ClinVar:

NM_001005361.3(DNM2):c.296A>G (p.Gln99Arg)

Gene: DNM2 (dynamin 2; plus strand). Cytogenetic location: 19p13.2.
Variant type: single nucleotide variant.
Coding change: c.296A>G on transcript NM_001005361.3 (MANE Select); coding-DNA position 296, A replaced by G.
Protein change: p.Gln99Arg; replaces glutamine 99 with arginine.
Molecular consequence: missense variant.
Genome position (GRCh38, 1-based): chr19:10,772,539, A>G. VCF-style: chr19-10772539-A-G. GRCh37 (hg19) VCF-style: chr19-10883215-A-G.
Other names: c.296A>G, p.Gln99Arg (NM_001005360.3, NM_001005362.3, NM_001190716.2 and 1 more transcripts); short protein forms Q99R.
Identifiers: ClinVar variation 2180547 (VCV002180547.4), dbSNP rs2071016320, ClinGen allele CA404041716.

ClinVar aggregate classification (germline): Uncertain significance (1 of 4 stars; one submission).

Conditions:
Charcot-Marie-Tooth disease dominant intermediate B (CMTDIB). Also called: CHARCOT-MARIE-TOOTH NEUROPATHY, DOMINANT INTERMEDIATE B; Charcot-Marie-Tooth disease dominant intermediate 1; CMT DI1; Charcot-Marie-Tooth disease dominant intermediate I. Identifiers: Orphanet 100044, Orphanet 228179, MedGen C1847902, MONDO:0011674, OMIM 606482.

Allele frequency attached by ClinVar (database versions not stated): TOPMed below 0.00001; gnomAD 0.00001.
gnomAD v4.1: 1 of 1,614,070 alleles (0.000062%); highest among the groups gnomAD compares: African/African-American, 0.0013%; no homozygotes.

Submission:

Labcorp Genetics (formerly Invitae), Labcorp
Classification: Uncertain significance for Charcot-Marie-Tooth disease dominant intermediate B. Last evaluated: 2024-04-03. Review status: criteria provided, single submitter. Criteria: Invitae Variant Classification Sherloc (09022015). Collection method: clinical testing. Allele origin: germline.
Comment: This sequence change replaces glutamine, which is neutral and polar, with arginine, which is basic and polar, at codon 99 of the DNM2 protein (p.Gln99Arg). This variant is not present in population databases (gnomAD no frequency). This variant has not been reported in the literature in individuals affected with DNM2-related conditions. ClinVar contains an entry for this variant (Variation ID: 2180547). Advanced modeling of protein sequence and biophysical properties (such as structural, functional, and spatial information, amino acid conservation, physicochemical variation, residue mobility, and thermodynamic stability) has been performed at Invitae for this missense variant, however the output from this modeling did not meet the statistical confidence thresholds required to predict the impact of this variant on DNM2 protein function. In summary, the available evidence is currently insufficient to determine the role of this variant in disease. Therefore, it has been classified as a Variant of Uncertain Significance.